The following is an entry in ClinVar:

NM_012388.4(BLOC1S6):c.82+4C>G

Gene: BLOC1S6 (biogenesis of lysosomal organelles complex 1 subunit 6; plus strand). Cytogenetic location: 15q21.1.
Variant type: single nucleotide variant.
Coding change: c.82+4C>G on transcript NM_012388.4 (MANE Select); 4 bases into the intron after coding-DNA position 82, C replaced by G.
Molecular consequence: intron variant.
Genome position (GRCh38, 1-based): chr15:45,587,529, C>G. VCF-style: chr15-45587529-C-G. GRCh37 (hg19) VCF-style: chr15-45879727-C-G.
Identifiers: ClinVar variation 2184106 (VCV002184106.1), dbSNP rs995671179, ClinGen allele CA270011534.

ClinVar aggregate classification (germline): Uncertain significance (1 of 4 stars; one submission).

Conditions:
Hermansky-Pudlak syndrome 9 (HPS9). Identifiers: Orphanet 280663, Orphanet 79430, MedGen C3280026, MONDO:0013606, OMIM 614171.

Allele frequency attached by ClinVar (database versions not stated): TOPMed 0.00001.
gnomAD v4.1: 8 of 1,569,814 alleles (0.00051%); highest among the groups gnomAD compares: Middle Eastern, 0.018%; no homozygotes.

Submission:

Labcorp Genetics (formerly Invitae), Labcorp
Classification: Uncertain significance for Hermansky-Pudlak syndrome 9. Last evaluated: 2021-12-15. Review status: criteria provided, single submitter. Criteria: Invitae Variant Classification Sherloc (09022015). Collection method: clinical testing. Allele origin: germline.
Comment: This sequence change falls in intron 1 of the BLOC1S6 gene. It does not directly change the encoded amino acid sequence of the BLOC1S6 protein. It affects a nucleotide within the consensus splice site. This variant is not present in population databases (gnomAD no frequency). This variant has not been reported in the literature in individuals affected with BLOC1S6-related conditions. Variants that disrupt the consensus splice site are a relatively common cause of aberrant splicing (PMID: 17576681, 9536098). Algorithms developed to predict the effect of sequence changes on RNA splicing suggest that this variant is not likely to affect RNA splicing. In summary, the available evidence is currently insufficient to determine the role of this variant in disease. Therefore, it has been classified as a Variant of Uncertain Significance.

Literature cited by the submitters: PubMed 17576681; PubMed 9536098.